The following is an entry in ClinVar:

NM_052989.3(IFT122):c.273-341dup

Gene: IFT122 (intraflagellar transport 122; plus strand). Cytogenetic location: 3q21.3.
Variant type: Duplication.
Coding change: c.273-341dup on transcript NM_052989.3 (MANE Select); 341 bases into the intron before coding-DNA position 273, one base duplicated (T; older notation c.273-341dupT).
Molecular consequence: intron variant. On other transcripts: frameshift variant (2).
Genome position (GRCh38, 1-based): chr3:129,460,887, T duplicated. VCF-style (leftmost placement, unchanged base first): chr3-129460886-A-AT. GRCh37 (hg19) VCF-style: chr3-129179729-A-AT.
Other names: c.306dup, p.Leu103fs (NM_001280541.2, NM_052985.4); c.-178-341dup (NM_001280545.2, NM_001280546.2); c.273-341dup (NM_018262.4); c.194-2673dup (NM_052990.3); short protein forms L103fs.
Identifiers: ClinVar variation 2038023 (VCV002038023.4), dbSNP rs763755540, ClinGen allele CA2605788.

ClinVar aggregate classification (germline): Pathogenic (1 of 4 stars; one submission).

Conditions:
Cranioectodermal dysplasia 1 (CED1). Also called: LEVIN SYNDROME I. Identifiers: Orphanet 1515, MedGen C0432235, MONDO:0021093, OMIM 218330.

Allele frequency attached by ClinVar (database versions not stated): gnomAD exomes below 0.00001; ExAC 0.00002.

Submission:

Labcorp Genetics (formerly Invitae), Labcorp
Classification: Pathogenic for Cranioectodermal dysplasia 1. Last evaluated: 2025-12-30. Review status: criteria provided, single submitter. Criteria: Invitae Variant Classification Sherloc (09022015). Collection method: clinical testing. Allele origin: germline.
Comment: This sequence change creates a premature translational stop signal (p.Leu103Serfs*17) in the IFT122 gene. It is expected to result in an absent or disrupted protein product. Loss-of-function variants in IFT122 are known to be pathogenic (PMID: 20493458, 23826986, 26792575). This variant is present in population databases (rs763755540, gnomAD 0.01%). This variant has not been reported in the literature in individuals affected with IFT122-related conditions. ClinVar contains an entry for this variant (Variation ID: 2038023). For these reasons, this variant has been classified as Pathogenic.

Literature cited by the submitters: PubMed 20493458; PubMed 23826986; PubMed 26792575.